The following is an entry in ClinVar:

ClinVar aggregate classification (germline): Likely pathogenic (1 of 4 stars; one submission).

gnomAD v4.1: 1 of 1,613,986 alleles (0.000062%); highest among the groups gnomAD compares: Non-Finnish European, 0.000085%; no homozygotes.

Submission:

GeneDx
Classification: Likely pathogenic. Last evaluated: 2024-11-03. Review status: criteria provided, single submitter. Criteria: GeneDx Variant Classification Process June 2021. Collection method: clinical testing. Allele origin: germline. Affected: yes.
Comment: Nonsense variant predicted to result in protein truncation or nonsense mediated decay in a gene for which loss of function is a known mechanism of disease; Not observed at significant frequency in large population cohorts (gnomAD); Has not been previously published as pathogenic or benign to our knowledge

NM_003922.4(HERC1):c.7150C>T (p.Arg2384Ter)

Gene: HERC1 (HECT and RLD domain containing E3 ubiquitin protein ligase family member 1; minus strand). Cytogenetic location: 15q22.31.
Variant type: single nucleotide variant.
Coding change: c.7150C>T on transcript NM_003922.4 (MANE Select); coding-DNA position 7150, C replaced by T.
Protein change: p.Arg2384Ter; replaces arginine 2384 with a stop codon.
Molecular consequence: nonsense.
Genome position (GRCh38, 1-based): chr15:63,675,038, G>A on the plus strand (C>T on the coding strand, the complement: HERC1 is on the minus strand). VCF-style: chr15-63675038-G-A. GRCh37 (hg19) VCF-style: chr15-63967237-G-A.
Other names: short protein forms R2384*.
Identifiers: ClinVar variation 3897217 (VCV003897217.1).